The following is an entry in ClinVar:

ClinVar aggregate classification (germline): Uncertain significance. Review status: criteria provided, multiple submitters, no conflicts (2 of 4 stars). 2 submissions from 2 submitters: Uncertain significance (2). Last evaluated 2024-05-29.

Conditions:
Hereditary cancer-predisposing syndrome. Also called: Tumor predisposition; Hereditary neoplastic syndrome; Neoplastic Syndromes, Hereditary; Hereditary Cancer Syndrome. Identifiers: Orphanet 140162, MedGen C0027672, MeSH D009386, MONDO:0015356.

Allele frequency attached by ClinVar (database versions not stated): gnomAD exomes below 0.00001.
gnomAD v4.1: 1 of 1,614,040 alleles (0.000062%); highest among the groups gnomAD compares: Non-Finnish European, 0.000085%; no homozygotes.

Submissions (2):

Labcorp Genetics (formerly Invitae), Labcorp
Classification: Uncertain significance. Last evaluated: 2024-05-29. Review status: criteria provided, single submitter. Criteria: Invitae Variant Classification Sherloc (09022015). Collection method: clinical testing. Allele origin: germline.
Comment: This sequence change replaces leucine, which is neutral and non-polar, with proline, which is neutral and non-polar, at codon 1572 of the POLE protein (p.Leu1572Pro). This variant is not present in population databases (gnomAD no frequency). This variant has not been reported in the literature in individuals affected with POLE-related conditions. ClinVar contains an entry for this variant (Variation ID: 958930). Advanced modeling of protein sequence and biophysical properties (such as structural, functional, and spatial information, amino acid conservation, physicochemical variation, residue mobility, and thermodynamic stability) performed at Invitae indicates that this missense variant is expected to disrupt POLE protein function with a positive predictive value of 80%. In summary, the available evidence is currently insufficient to determine the role of this variant in disease. Therefore, it has been classified as a Variant of Uncertain Significance.

Ambry Genetics
Classification: Uncertain significance for Hereditary cancer-predisposing syndrome. Last evaluated: 2023-12-07. Review status: criteria provided, single submitter. Criteria: Ambry Variant Classification Scheme 2023. Collection method: clinical testing. Allele origin: germline.
Comment: The p.L1572P variant (also known as c.4715T>C), located in coding exon 36 of the POLE gene, results from a T to C substitution at nucleotide position 4715. The leucine at codon 1572 is replaced by proline, an amino acid with similar properties. This amino acid position is conserved. In addition, this alteration is predicted to be deleterious by in silico analysis. Since supporting evidence is limited at this time, the clinical significance of this alteration remains unclear.

NM_006231.4(POLE):c.4715T>C (p.Leu1572Pro)

Gene: POLE (DNA polymerase epsilon, catalytic subunit; minus strand). Cytogenetic location: 12q24.33.
Variant type: single nucleotide variant.
Coding change: c.4715T>C on transcript NM_006231.4 (MANE Select); coding-DNA position 4715, T replaced by C.
Protein change: p.Leu1572Pro; replaces leucine 1572 with proline.
Molecular consequence: missense variant.
Genome position (GRCh38, 1-based): chr12:132,642,833, A>G on the plus strand (T>C on the coding strand, the complement: POLE is on the minus strand). VCF-style: chr12-132642833-A-G. GRCh37 (hg19) VCF-style: chr12-133219419-A-G.
Other names: c.4715T>C (NM_006231.2); short protein forms L1572P.
Identifiers: ClinVar variation 958930 (VCV000958930.10), dbSNP rs2042181242, ClinGen allele CA387378634.